The following is an entry in ClinVar:

ClinVar aggregate classification (germline): Likely pathogenic (1 of 4 stars; one submission).

Conditions:
POMT2-related disorder. Also called: POMT2-related condition.

Allele frequency attached by ClinVar (database versions not stated): TOPMed below 0.00001; ESP Exome Variant Server 0.00008.

Submission:

3billion
Classification: Likely pathogenic for POMT2-related disorder. Last evaluated: 2025-11-03. Review status: criteria provided, single submitter. Criteria: ACMG Guidelines, 2015. Collection method: clinical testing. Allele origin: germline. Affected: yes.
Comment: The variant is not observed in the gnomAD v4.1.0 dataset. Predicted Consequence/Location: Missense variant. The majority of the known disease-causing variants of this gene are variants expected to result in premature termination of the protein. In silico tool predictions suggest damaging effect of the variant on gene or gene product [REVEL: 0.91 (>=0.6, sensitivity 0.68 and specificity 0.92); 3Cnet: 0.18 (> 0.75, sensitivity 0.96 and precision 0.92)]. The same nucleotide change resulting in the same amino acid change has been previously reported to be associated with POMT2-related disorder (ClinVar ID: VCV001687374 /PMID: 32404165).The variant has been reported to co-segregate with the disease in at least 2 similarly affected relatives/individuals in the same family or similarly affected unrelated families (PMID: 32404165). Therefore, this variant is classified as Likely pathogenic according to the recommendation of ACMG/AMP guideline.

Literature cited by the submitters: PubMed 32404165.

NM_013382.7(POMT2):c.1738T>C (p.Ser580Pro)

Gene: POMT2 (protein O-mannosyltransferase 2; minus strand). Cytogenetic location: 14q24.3.
Variant type: single nucleotide variant.
Coding change: c.1738T>C on transcript NM_013382.7 (MANE Select); coding-DNA position 1738, T replaced by C.
Protein change: p.Ser580Pro; replaces serine 580 with proline.
Molecular consequence: missense variant.
Genome position (GRCh38, 1-based): chr14:77,280,068, A>G on the plus strand (T>C on the coding strand, the complement: POMT2 is on the minus strand). VCF-style: chr14-77280068-A-G. GRCh37 (hg19) VCF-style: chr14-77746411-A-G.
Other names: short protein forms S580P.
Identifiers: ClinVar variation 1687374 (VCV001687374.2), dbSNP rs370529777, ClinGen allele CA263818969.
Genomic context (GRCh38, chr14:77,280,068, plus strand): 5'-TTTAGGCACTCACCGGGTTGCCAAGCAGATAGACTCGGAAATCTGTGTCATTGACCCCTG[A>G]GAAGCGTAGGCCCTGTGGAATAGAGACCACCCTGCTGACCCAGGCCCAGCCCATCCTCGG-3'
Protein context (NP_037514.2, residues 570-590): WPINYQGLRF[Ser580Pro]GVNDTDFRVY